The following is an entry in ClinVar:

ClinVar aggregate classification (germline): Uncertain significance (1 of 4 stars; one submission).

Submission:

Labcorp Genetics (formerly Invitae), Labcorp
Classification: Uncertain significance. Last evaluated: 2025-01-20. Review status: criteria provided, single submitter. Criteria: Invitae Variant Classification Sherloc (09022015). Collection method: clinical testing. Allele origin: germline.
Comment: This sequence change replaces alanine, which is neutral and non-polar, with threonine, which is neutral and polar, at codon 835 of the MYO18B protein (p.Ala835Thr). Information on the frequency of this variant in the gnomAD database is not available, as this variant may be reported differently in the database. This variant has not been reported in the literature in individuals affected with MYO18B-related conditions. ClinVar contains an entry for this variant (Variation ID: 1401773). Experimental studies and prediction algorithms are not available or were not evaluated, and the functional significance of this variant is currently unknown. In summary, the available evidence is currently insufficient to determine the role of this variant in disease. Therefore, it has been classified as a Variant of Uncertain Significance.

NM_032608.7(MYO18B):c.2502_2503inv (p.Ala835Thr)

Gene: MYO18B (myosin XVIIIB; plus strand). Cytogenetic location: 22q12.1.
Variant type: Inversion.
Coding change: c.2502_2503inv on transcript NM_032608.7 (MANE Select).
Protein change: p.Ala835Thr; replaces alanine 835 with threonine.
Molecular consequence: missense variant.
Genome position: GRCh38 VCF-style: chr22-25798078-TG-CA. GRCh37 (hg19) VCF-style: chr22-26194045-TG-CA.
Other names: c.2502_2503inv, p.Ala835Thr (NM_001318245.2); short protein forms A835T.
Identifiers: ClinVar variation 1401773 (VCV001401773.4), ClinGen allele CA2573157791.